The following is an entry in ClinVar:

ClinVar aggregate classification (germline): Uncertain significance (1 of 4 stars; one submission).

Conditions:
NUP188-related disorder. Also called: NUP188-related condition.

Submission:

PreventionGenetics, part of Exact Sciences
Classification: Uncertain significance for NUP188-related condition. Last evaluated: 2026-06-12. Review status: criteria provided, single submitter. Criteria: ACMG Guidelines, 2015. Collection method: clinical testing. Allele origin: germline.
Comment: The NUP188 c.4025C>A variant is predicted to result in the amino acid substitution p.Thr1342Asn. To our knowledge, this variant has not been reported in the literature. This variant is reported in 0.011% of alleles in individuals of East Asian descent in gnomAD. At this time, the clinical significance of this variant is uncertain due to the absence of conclusive functional and genetic evidence.

NM_015354.3(NUP188):c.4025C>A (p.Thr1342Asn)

Gene: NUP188 (nucleoporin 188; plus strand). Cytogenetic location: 9q34.11.
Variant type: single nucleotide variant.
Coding change: c.4025C>A on transcript NM_015354.3 (MANE Select); coding-DNA position 4025, C replaced by A.
Protein change: p.Thr1342Asn; replaces threonine 1342 with asparagine.
Molecular consequence: missense variant.
Genome position (GRCh38, 1-based): chr9:129,001,710, C>A. VCF-style: chr9-129001710-C-A. GRCh37 (hg19) VCF-style: chr9-131763989-C-A.
Other names: short protein forms T1342N.
Identifiers: ClinVar variation 4985230 (VCV004985230.1).